The following is an entry in ClinVar:

ClinVar aggregate classification (germline): Pathogenic (1 of 4 stars; one submission).

Submission:

Centre for Clinical Genetics and Genomic Diagnostics, Zealand University Hospital
Classification: Pathogenic. Last evaluated: 2024-11-20. Review status: criteria provided, single submitter. Criteria: ACMG Guidelines, 2015. Collection method: clinical testing. Allele origin: germline. Affected: yes.
Comment: Compound heterozygous

NC_000013.11:g.22928042_24349936del

Genes: C1QTNF9 (C1q and TNF related 9; plus strand), C1QTNF9B (C1q and TNF related 9B; minus strand), LINC00327 (long intergenic non-protein coding RNA 327; plus strand), LINC00362 (long intergenic non-protein coding RNA 362; minus strand), LINC00566 (long intergenic non-protein coding RNA 566; plus strand) and 54 more. Cytogenetic location: 13q12.12.
Variant type: Deletion.
Identifiers: ClinVar variation 4526762 (VCV004526762.1).